The following is an entry in ClinVar:

NM_000082.4(ERCC8):c.719-1G>A

Gene: ERCC8 (ERCC excision repair 8, CSA ubiquitin ligase complex subunit; minus strand). Cytogenetic location: 5q12.1.
Variant type: single nucleotide variant.
Coding change: c.719-1G>A on transcript NM_000082.4 (MANE Select); the canonical splice acceptor site of the intron before coding-DNA position 719, G replaced by A.
Molecular consequence: splice acceptor variant.
Genome position (GRCh38, 1-based): chr5:60,898,401, C>T on the plus strand (G>A on the coding strand, the complement: ERCC8 is on the minus strand). VCF-style: chr5-60898401-C-T. GRCh37 (hg19) VCF-style: chr5-60194228-C-T.
Other names: c.260-1G>A (NM_001290285.2); c.545-1G>A (NM_001007233.3).
Identifiers: ClinVar variation 3704385 (VCV003704385.2).

ClinVar aggregate classification (germline): Likely pathogenic (1 of 4 stars; one submission).

gnomAD v4.1: 2 of 1,613,074 alleles (0.00012%); highest among the groups gnomAD compares: Non-Finnish European, 0.00017%; no homozygotes.

Submission:

Labcorp Genetics (formerly Invitae), Labcorp
Classification: Likely pathogenic. Last evaluated: 2024-02-16. Review status: criteria provided, single submitter. Criteria: Invitae Variant Classification Sherloc (09022015). Collection method: clinical testing. Allele origin: germline.
Comment: This sequence change affects an acceptor splice site in intron 8 of the ERCC8 gene. It is expected to disrupt RNA splicing. Variants that disrupt the donor or acceptor splice site typically lead to a loss of protein function (PMID: 16199547), and loss-of-function variants in ERCC8 are known to be pathogenic (PMID: 29572252). This variant is present in population databases (no rsID available, gnomAD 0.007%). Disruption of this splice site has been observed in individual(s) with Cockayne syndrome (PMID: 29572252, 34461059). Algorithms developed to predict the effect of sequence changes on RNA splicing suggest that this variant may disrupt the consensus splice site. In summary, the currently available evidence indicates that the variant is pathogenic, but additional data are needed to prove that conclusively. Therefore, this variant has been classified as Likely Pathogenic.

Literature cited by the submitters: PubMed 16199547; PubMed 29572252; PubMed 34461059.